The following is an entry in ClinVar:

ClinVar aggregate classification (germline): Conflicting classifications of pathogenicity. Review status: criteria provided, conflicting classifications (1 of 4 stars). 2 submissions from 2 submitters: Likely pathogenic (1); Uncertain significance (1). Last evaluated 2024-04-25.

Allele frequency attached by ClinVar (database versions not stated): TOPMed 0.00002; gnomAD exomes 0.00003.

Submissions (2):

Mayo Clinic Laboratories, Mayo Clinic
Classification: Likely pathogenic. Last evaluated: 2024-04-25. Review status: criteria provided, single submitter. Criteria: ACMG Guidelines, 2015. Collection method: clinical testing. Allele origin: germline. Observed: 1 variant allele.
Comment: PP3, PM1_supporting, PM2_moderate, PM3_supporting, PS4_moderate

GeneDx
Classification: Uncertain significance. Last evaluated: 2022-07-14. Review status: criteria provided, single submitter. Criteria: GeneDx Variant Classification Process June 2021. Collection method: clinical testing. Allele origin: germline. Affected: yes.
Comment: Not observed at significant frequency in large population cohorts (gnomAD); In silico analysis supports that this missense variant has a deleterious effect on protein structure/function; This variant is associated with the following publications: (PMID: 11313743, 26310716)

Literature cited by the submitters: PubMed 11313743 (cited by Mayo Clinic Laboratories, Mayo Clinic); PubMed 15907525 (cited by Mayo Clinic Laboratories, Mayo Clinic); PubMed 18976247 (cited by Mayo Clinic Laboratories, Mayo Clinic); PubMed 26310716 (cited by Mayo Clinic Laboratories, Mayo Clinic); PubMed 35802509 (cited by Mayo Clinic Laboratories, Mayo Clinic); PubMed 38397060 (cited by Mayo Clinic Laboratories, Mayo Clinic).

NM_019616.4(F7):c.685G>A (p.Ala229Thr)

Gene: F7 (coagulation factor VII; plus strand). Cytogenetic location: 13q34.
Variant type: single nucleotide variant.
Coding change: c.685G>A on transcript NM_019616.4 (MANE Select); coding-DNA position 685, G replaced by A.
Protein change: p.Ala229Thr; replaces alanine 229 with threonine.
Molecular consequence: missense variant. On other transcripts: non-coding transcript variant (1).
Genome position (GRCh38, 1-based): chr13:113,117,542, G>A. VCF-style: chr13-113117542-G-A. GRCh37 (hg19) VCF-style: chr13-113771856-G-A.
Other names: p.Ala251Thr; c.751G>A, p.Ala251Thr (NM_000131.5); c.499G>A, p.Ala167Thr (NM_001267554.2); short protein forms A167T, A229T, A251T.
Identifiers: ClinVar variation 1878832 (VCV001878832.2), dbSNP rs1269916662, ClinGen allele CA388785334.